The following is an entry in ClinVar:

ClinVar aggregate classification (germline): Uncertain significance (1 of 4 stars; one submission).

Conditions:
Inborn genetic diseases. Identifiers: MedGen C0950123, MeSH D030342.

Allele frequency attached by ClinVar (database versions not stated): gnomAD 0.00001; ExAC 0.00002; TOPMed 0.00002.
gnomAD v4.1: 72 of 1,613,456 alleles (0.0045%); highest among the groups gnomAD compares: Non-Finnish European, 0.0058%; 1 homozygote.

Submission:

Ambry Genetics
Classification: Uncertain significance for Inborn genetic diseases. Last evaluated: 2023-10-16. Review status: criteria provided, single submitter. Criteria: Ambry Variant Classification Scheme 2023. Collection method: clinical testing. Allele origin: germline.
Comment: The p.L684R variant (also known as c.2051T>G), located in coding exon 15 of the MIB1 gene, results from a T to G substitution at nucleotide position 2051. The leucine at codon 684 is replaced by arginine, an amino acid with dissimilar properties. This amino acid position is conserved. In addition, this alteration is predicted to be deleterious by in silico analysis. Since supporting evidence is limited at this time, the clinical significance of this alteration remains unclear.

NM_020774.4(MIB1):c.2051T>G (p.Leu684Arg)

Gene: MIB1 (MIB E3 ubiquitin protein ligase 1; plus strand). Cytogenetic location: 18q11.2.
Variant type: single nucleotide variant.
Coding change: c.2051T>G on transcript NM_020774.4 (MANE Select); coding-DNA position 2051, T replaced by G.
Protein change: p.Leu684Arg; replaces leucine 684 with arginine.
Molecular consequence: missense variant.
Genome position (GRCh38, 1-based): chr18:21,844,093, T>G. VCF-style: chr18-21844093-T-G. GRCh37 (hg19) VCF-style: chr18-19424054-T-G.
Other names: short protein forms L684R.
Identifiers: ClinVar variation 1785087 (VCV001785087.2), dbSNP rs762339960, ClinGen allele CA8908520.